The following is an entry in ClinVar:

ClinVar aggregate classification (germline): Uncertain significance (1 of 4 stars; one submission).

Allele frequency attached by ClinVar (database versions not stated): gnomAD exomes 0.00001; ExAC 0.00001.
gnomAD v4.1: 4 of 1,613,998 alleles (0.00025%); highest among the groups gnomAD compares: Admixed American, 0.005%; no homozygotes.

Submission:

GeneDx
Classification: Uncertain significance. Last evaluated: 2026-02-18. Review status: criteria provided, single submitter. Criteria: GeneDx Variant Classification Process June 2021. Collection method: clinical testing. Allele origin: germline.
Comment: In silico analysis supports that this missense variant has a deleterious effect on protein structure/function; Has not been previously published as pathogenic or benign to our knowledge

NM_001376571.1(MADD):c.94C>A (p.Pro32Thr)

Gene: MADD (MAP kinase activating death domain; plus strand). Cytogenetic location: 11p11.2.
Variant type: single nucleotide variant.
Coding change: c.94C>A on transcript NM_001376571.1 (MANE Select); coding-DNA position 94, C replaced by A.
Protein change: p.Pro32Thr; replaces proline 32 with threonine.
Molecular consequence: missense variant. On other transcripts: intron variant (1), 5 prime UTR variant (12), non-coding transcript variant (8).
Genome position (GRCh38, 1-based): chr11:47,274,594, C>A. VCF-style: chr11-47274594-C-A. GRCh37 (hg19) VCF-style: chr11-47296145-C-A.
Other names: c.-7-1305C>A (NM_001376663.1); c.94C>A, p.Pro32Thr (NM_001135943.2, NM_001135944.2, NM_001376572.1 and 80 more transcripts); c.-111C>A (NM_001376635.1, NM_001376644.1, NM_001376646.1 and 9 more transcripts); short protein forms P32T.
Identifiers: ClinVar variation 2430981 (VCV002430981.2), dbSNP rs771163857, ClinGen allele CA5973791.
Genomic context (GRCh38, chr11:47,274,594, plus strand): 5'-GCTGCTGAATTTGTCTTTATGTTCTTCAGGCACCCGAGCAGTGATAGCGTGGCCCAGACT[C>A]CTGAATTGCTACGGCGATACCCCTTGGAGGATCACACTGAGTTTCCCCTGCCCCCAGATG-3'
Protein context (NP_001363500.1, residues 22-42): HPSSDSVAQT[Pro32Thr]ELLRRYPLED